The following is an entry in ClinVar:

NM_001384474.1(LOXHD1):c.6187A>C (p.Thr2063Pro)

Gene: LOXHD1 (lipoxygenase homology PLAT domains 1; minus strand). Cytogenetic location: 18q21.1.
Variant type: single nucleotide variant.
Coding change: c.6187A>C on transcript NM_001384474.1 (MANE Select); coding-DNA position 6187, A replaced by C.
Protein change: p.Thr2063Pro; replaces threonine 2063 with proline.
Molecular consequence: missense variant.
Genome position (GRCh38, 1-based): chr18:46,483,741, T>G on the plus strand (A>C on the coding strand, the complement: LOXHD1 is on the minus strand). VCF-style: chr18-46483741-T-G. GRCh37 (hg19) VCF-style: chr18-44063704-T-G.
Other names: c.2854A>C, p.Thr952Pro (NM_001145472.3); c.904A>C, p.Thr302Pro (NM_001145473.3, NM_001173129.2); c.2566A>C, p.Thr856Pro (NM_001308013.2); c.6001A>C, p.Thr2001Pro (NM_144612.7); c.6001A>C (NM_144612.6); short protein forms T2001P, T2063P, T302P, T856P, T952P.
Identifiers: ClinVar variation 1210163 (VCV001210163.6), dbSNP rs547733414, ClinGen allele CA8952068.

ClinVar aggregate classification (germline): Uncertain significance. Review status: criteria provided, multiple submitters, no conflicts (2 of 4 stars). 4 submissions from 4 submitters: Uncertain significance (4). Last evaluated 2026-01-19.

Conditions:
LOXHD1-related disorder. Also called: LOXHD1-related condition.
Autosomal recessive nonsyndromic hearing loss 77. Identifiers: Orphanet 90636, MedGen C2746083, MONDO:0013119, OMIM 613079.

Allele frequency attached by ClinVar (database versions not stated): TOPMed 0.00003; gnomAD exomes 0.00009 and 0.00020; gnomAD 0.00010 and 0.00011; 1000 Genomes Project 30x 0.00016; 1000 Genomes Project 0.00020; ExAC 0.00023.
gnomAD v4.1: 147 of 1,541,696 alleles (0.0095%); highest among the groups gnomAD compares: Non-Finnish European, 0.0024%; no homozygotes.

Submissions (4):

PreventionGenetics, part of Exact Sciences
Classification: Uncertain significance for LOXHD1-related condition. Last evaluated: 2026-01-19. Review status: criteria provided, single submitter. Criteria: ACMG Guidelines, 2015. Collection method: clinical testing. Allele origin: germline.
Comment: The LOXHD1 c.6001A>C variant is predicted to result in the amino acid substitution p.Thr2001Pro. To our knowledge, this variant has not been reported in the literature. This variant is reported in 0.15% of alleles in individuals of European (Finnish) descent in gnomAD. Although we suspect that this variant may be benign, at this time, the clinical significance of this variant is uncertain due to the absence of conclusive functional and genetic evidence.

Institute of Human Genetics, University of Leipzig Medical Center
Classification: Uncertain significance for Autosomal recessive nonsyndromic hearing loss 77. Last evaluated: 2024-07-15. Review status: criteria provided, single submitter. Criteria: ACMG Guidelines, 2015. Collection method: clinical testing. Allele origin: unknown. Inheritance: Autosomal recessive inheritance. Affected: yes.
Comment: Criteria applied: PM2_SUP

Blueprint Genetics
Classification: Uncertain significance. Last evaluated: 2024-05-21. Review status: criteria provided, single submitter. Criteria: ACMG Guidelines, 2015. Collection method: clinical testing. Allele origin: germline.

MGZ Medical Genetics Center
Classification: Uncertain significance for Autosomal recessive nonsyndromic hearing loss 77. Last evaluated: 2021-08-23. Review status: criteria provided, single submitter. Criteria: ACMG Guidelines, 2015. Collection method: clinical testing. Allele origin: germline. Affected: yes. Observed: 1 variant allele.
Comment: ACMG criteria applied: PM2_SUP, PM3_SUP